The following is an entry in ClinVar:

ClinVar aggregate classification (germline): Uncertain significance (1 of 4 stars; one submission).

Conditions:
Familial adenomatous polyposis 1 (FAP1). Also called: FAMILIAL ADENOMATOUS POLYPOSIS 1, ATTENUATED; POLYPOSIS, ADENOMATOUS INTESTINAL. Identifiers: MedGen C2713442, MONDO:0021056, OMIM 175100. Disease mechanism: loss of function.

Submission:

Labcorp Genetics (formerly Invitae), Labcorp
Classification: Uncertain significance for Familial adenomatous polyposis 1. Last evaluated: 2025-09-14. Review status: criteria provided, single submitter. Criteria: Invitae Variant Classification Sherloc (09022015). Collection method: clinical testing. Allele origin: germline.
Comment: This variant occurs in a non-coding region of the APC gene. It does not change the encoded amino acid sequence of the APC protein. This variant is not present in population databases (gnomAD no frequency). This variant has not been reported in the literature in individuals affected with APC-related conditions. Experimental studies and prediction algorithms are not available or were not evaluated, and the functional significance of this variant is currently unknown. In summary, the available evidence is currently insufficient to determine the role of this variant in disease. Therefore, it has been classified as a Variant of Uncertain Significance.

NC_000005.10:g.112707398A>T

Gene: APC (APC regulator of Wnt signaling pathway; plus strand). Cytogenetic location: 5q22.2.
Variant type: single nucleotide variant.
Genome position: GRCh38 VCF-style: chr5-112707398-A-T. GRCh37 (hg19) VCF-style: chr5-112043095-A-T.
Identifiers: ClinVar variation 4727143 (VCV004727143.1).